The following is an entry in ClinVar:

NM_014915.3(ANKRD26):c.1198A>T (p.Asn400Tyr)

Gene: ANKRD26 (ankyrin repeat domain containing 26; minus strand). Cytogenetic location: 10p12.1.
Variant type: single nucleotide variant.
Coding change: c.1198A>T on transcript NM_014915.3 (MANE Select); coding-DNA position 1198, A replaced by T.
Protein change: p.Asn400Tyr; replaces asparagine 400 with tyrosine.
Molecular consequence: missense variant.
Genome position (GRCh38, 1-based): chr10:27,067,166, T>A on the plus strand (A>T on the coding strand, the complement: ANKRD26 is on the minus strand). VCF-style: chr10-27067166-T-A. GRCh37 (hg19) VCF-style: chr10-27356095-T-A.
Other names: c.1198A>T, p.Asn400Tyr (NM_001256053.2); short protein forms N400Y.
Identifiers: ClinVar variation 3377956 (VCV003377956.1).

ClinVar aggregate classification (germline): Uncertain significance (1 of 4 stars; one submission).

Submission:

GeneDx
Classification: Uncertain significance. Last evaluated: 2024-05-16. Review status: criteria provided, single submitter. Criteria: GeneDx Variant Classification Process June 2021. Collection method: clinical testing. Allele origin: germline. Affected: yes.
Comment: Not observed at significant frequency in large population cohorts (gnomAD); In silico analysis supports that this missense variant has a deleterious effect on protein structure/function; Has not been previously published as pathogenic or benign to our knowledge